The following is an entry in ClinVar:

ClinVar aggregate classification (germline): Benign. Review status: criteria provided, multiple submitters, no conflicts (2 of 4 stars). 14 submissions from 14 submitters: Benign (11). 3 of the submissions do not count toward it. Last evaluated 2026-02-03.

Conditions:
Noonan syndrome and Noonan-related syndrome. Identifiers: Orphanet 98733, MedGen C5681679, MONDO:0020297.
Cardiovascular phenotype. Identifiers: MedGen CN230736.
CBL-related disorder. Also called: NOONAN SYNDROME-LIKE DISORDER WITHOUT JUVENILE MYELOMONOCYTIC LEUKEMIA; CBL MUTATION-ASSOCIATED SYNDROME; CBL SYNDROME. Identifiers: Orphanet 363972, MedGen C3150803, MONDO:0013308, OMIM 613563.
RASopathy. Also called: Noonan spectrum disorder; rasopathies. Identifiers: Orphanet 536391, MedGen C5555857, MONDO:0021060.
Juvenile myelomonocytic leukemia (JMML). Also called: LEUKEMIA, JUVENILE MYELOMONOCYTIC, SOMATIC. Identifiers: Orphanet 86834, MedGen C0349639, MONDO:0011908, OMIM 607785, HP:0012209.

Allele frequency attached by ClinVar (database versions not stated): gnomAD exomes 0.00227 and 0.00445; ExAC 0.00495; ESP Exome Variant Server 0.00739; gnomAD 0.00741 and 0.00752; TOPMed 0.00844; 1000 Genomes Project 30x 0.01093; 1000 Genomes Project 0.01098.
gnomAD v4.1: 4,541 of 1,614,036 alleles (0.28%); highest among the groups gnomAD compares: African/African-American, 2.3%; 55 homozygotes.

Submissions (14):

Labcorp Genetics (formerly Invitae), Labcorp
Classification: Benign for RASopathy. Last evaluated: 2026-02-03. Review status: criteria provided, single submitter. Criteria: Invitae Variant Classification Sherloc (09022015). Collection method: clinical testing. Allele origin: germline.

ARUP Laboratories, Molecular Genetics and Genomics, ARUP Laboratories
Classification: Benign. Last evaluated: 2024-09-20. Review status: criteria provided, single submitter. Criteria: ARUP Molecular Germline Variant Investigation Process 2024. Collection method: clinical testing. Allele origin: germline.

KCCC/NGS Laboratory, Kuwait Cancer Control Center
Classification: Benign for Juvenile myelomonocytic leukemia. Last evaluated: 2023-07-07. Review status: criteria provided, single submitter. Criteria: ACMG Guidelines, 2015. Collection method: clinical testing. Allele origin: germline. Affected: yes.

Genome Diagnostics Laboratory, The Hospital for Sick Children
Classification: Benign for Noonan syndrome and Noonan-related syndrome. Last evaluated: 2021-06-18. Review status: criteria provided, single submitter. Criteria: ACMG Guidelines, 2015. Collection method: clinical testing. Allele origin: germline.

Women's Health and Genetics/Laboratory Corporation of America, LabCorp
Classification: Benign. Last evaluated: 2019-10-21. Review status: criteria provided, single submitter. Criteria: LabCorp Variant Classification Summary - May 2015. Collection method: clinical testing. Allele origin: germline.

Ambry Genetics
Classification: Benign for Cardiovascular phenotype. Last evaluated: 2019-04-04. Review status: criteria provided, single submitter. Criteria: Ambry Variant Classification Scheme 2023. Collection method: clinical testing. Allele origin: germline.

Illumina Laboratory Services, Illumina
Classification: Benign for CBL-related disorder. Last evaluated: 2018-01-13. Review status: criteria provided, single submitter. Criteria: ICSL Variant Classification Criteria 13 December 2019. Collection method: clinical testing. Allele origin: germline.
Comment: This variant was observed in the ICSL laboratory as part of a predisposition screen in an ostensibly healthy population. It had not been previously curated by ICSL or reported in the Human Gene Mutation Database (HGMD: prior to June 1st, 2018), and was therefore a candidate for classification through an automated scoring system. Utilizing variant allele frequency, disease prevalence and penetrance estimates, and inheritance mode, an automated score was calculated to assess if this variant is too frequent to cause the disease. Based on the score and internal cut-off values, a variant classified as benign is not then subjected to further curation. The score for this variant resulted in a classification of benign for this disease.

GeneDx
Classification: Benign. Last evaluated: 2012-03-28. Review status: criteria provided, single submitter. Criteria: GeneDx Variant Classification (06012015). Collection method: clinical testing. Allele origin: germline. Affected: yes.
Comment: This variant is considered likely benign or benign based on one or more of the following criteria: it is a conservative change, it occurs at a poorly conserved position in the protein, it is predicted to be benign by multiple in silico algorithms, and/or has population frequency not consistent with disease.

Laboratory for Molecular Medicine, Mass General Brigham Personalized Medicine
Classification: Benign. Last evaluated: 2012-03-19. Review status: criteria provided, single submitter. Criteria: LMM Criteria. Collection method: clinical testing. Allele origin: germline. Observed: 8 variant alleles.
Comment: p.Ser171Ser in Exon 03 of CBL: This variant is not expected to have clinical sig nificance because it does not alter an amino acid residue, is not located within the splice consensus sequence and has been identified in 1.9% (72/3738) of Afri can American chromosomes from a broad population by the NHLBI Exome Sequencing P roject (dbSNP rs2227987).

Breakthrough Genomics
Classification: Benign. Review status: criteria provided, single submitter. Criteria: ACMG Guidelines, 2015. Collection method: not provided. Allele origin: germline. Inheritance: Autosomal dominant inheritance. Affected: yes.

PreventionGenetics, part of Exact Sciences
Classification: Benign. Review status: criteria provided, single submitter. Criteria: ACMG Guidelines, 2015. Collection method: clinical testing. Allele origin: germline.

Clinical Genetics, Academic Medical Center
Classification: Benign. Review status: no assertion criteria provided. Collection method: clinical testing. Allele origin: germline. Affected: yes. Study: VKGL Data-share Consensus. Not counted in ClinVar's aggregate classification.

Genome Diagnostics Laboratory, Amsterdam University Medical Center
Classification: Benign. Review status: no assertion criteria provided. Collection method: clinical testing. Allele origin: germline. Affected: yes. Study: VKGL Data-share Consensus. Not counted in ClinVar's aggregate classification.

Laboratory of Diagnostic Genome Analysis, Leiden University Medical Center (LUMC)
Classification: Benign. Review status: no assertion criteria provided. Collection method: clinical testing. Allele origin: germline. Affected: yes. Study: VKGL Data-share Consensus. Not counted in ClinVar's aggregate classification.

Literature cited by the submitters: PubMed 25224413 (cited by Women's Health and Genetics/Laboratory Corporation of America, LabCorp); PubMed 21828135 (cited by Women's Health and Genetics/Laboratory Corporation of America, LabCorp); PubMed 23690417 (cited by Women's Health and Genetics/Laboratory Corporation of America, LabCorp); PubMed 19387008 (cited by Women's Health and Genetics/Laboratory Corporation of America, LabCorp); PubMed 19901108 (cited by Women's Health and Genetics/Laboratory Corporation of America, LabCorp); PubMed 20951944 (cited by Women's Health and Genetics/Laboratory Corporation of America, LabCorp); PubMed 19620960 (cited by Women's Health and Genetics/Laboratory Corporation of America, LabCorp); PubMed 22733026 (cited by Women's Health and Genetics/Laboratory Corporation of America, LabCorp); PubMed 29296819 (cited by Women's Health and Genetics/Laboratory Corporation of America, LabCorp); PubMed 27069254 (cited by Women's Health and Genetics/Laboratory Corporation of America, LabCorp).

NM_005188.4(CBL):c.513T>C (p.Ser171=)

Gene: CBL (Cbl proto-oncogene; plus strand). Cytogenetic location: 11q23.3.
Variant type: single nucleotide variant.
Coding change: c.513T>C on transcript NM_005188.4 (MANE Select); coding-DNA position 513, T replaced by C.
Protein change: p.Ser171=; no amino-acid change (serine 171 retained).
Molecular consequence: synonymous variant.
Genome position (GRCh38, 1-based): chr11:119,271,804, T>C. VCF-style: chr11-119271804-T-C. GRCh37 (hg19) VCF-style: chr11-119142514-T-C.
Other names: p.S171S:AGT>AGC.
Identifiers: ClinVar variation 45209 (VCV000045209.38), dbSNP rs2227987, ClinGen allele CA135740.